The following is an entry in ClinVar:

NM_004655.4(AXIN2):c.1991G>A (p.Gly664Glu)

Gene: AXIN2 (axin 2; minus strand). Cytogenetic location: 17q24.1.
Variant type: single nucleotide variant.
Coding change: c.1991G>A on transcript NM_004655.4 (MANE Select); coding-DNA position 1991, G replaced by A.
Protein change: p.Gly664Glu; replaces glycine 664 with glutamic acid.
Molecular consequence: missense variant.
Genome position (GRCh38, 1-based): chr17:65,536,470, C>T on the plus strand (G>A on the coding strand, the complement: AXIN2 is on the minus strand). VCF-style: chr17-65536470-C-T. GRCh37 (hg19) VCF-style: chr17-63532588-C-T.
Other names: c.1796G>A, p.Gly599Glu (NM_001363813.1); short protein forms G599E, G664E.
Identifiers: ClinVar variation 5032657 (VCV005032657.1).

ClinVar aggregate classification (germline): Uncertain significance (1 of 4 stars; one submission).

Conditions:
Hereditary cancer-predisposing syndrome. Also called: Neoplastic Syndromes, Hereditary; Tumor predisposition; Hereditary neoplastic syndrome; Hereditary Cancer Syndrome. Identifiers: Orphanet 140162, MedGen C0027672, MeSH D009386, MONDO:0015356.

Submission:

Ambry Genetics
Classification: Uncertain significance for Hereditary cancer-predisposing syndrome. Last evaluated: 2026-07-07. Review status: criteria provided, single submitter. Criteria: Ambry Variant Classification Scheme 2023. Collection method: clinical testing. Allele origin: germline.
Comment: The p.G664E variant (also known as c.1991G>A), located in coding exon 7 of the AXIN2 gene, results from a G to A substitution at nucleotide position 1991. The glycine at codon 664 is replaced by glutamic acid, an amino acid with similar properties. This amino acid position is conserved. In addition, the in silico prediction for this alteration is inconclusive. Based on the available evidence, the clinical significance of this variant remains unclear.